The following is an entry in ClinVar:

ClinVar aggregate classification (germline): Uncertain significance (1 of 4 stars; one submission).

Conditions:
Inborn genetic diseases. Identifiers: MedGen C0950123, MeSH D030342.

Submission:

Ambry Genetics
Classification: Uncertain significance for Inborn genetic diseases. Last evaluated: 2025-01-14. Review status: criteria provided, single submitter. Criteria: Ambry Variant Classification Scheme 2023. Collection method: clinical testing. Allele origin: germline.
Comment: The p.Q645R variant (also known as c.1934A>G), located in coding exon 13 of the ERCC6L2 gene, results from an A to G substitution at nucleotide position 1934. The glutamine at codon 645 is replaced by arginine, an amino acid with highly similar properties. This amino acid position is conserved. In addition, this alteration is predicted to be deleterious by in silico analysis. Based on the available evidence, the clinical significance of this variant remains unclear.

NM_020207.7(ERCC6L2):c.1934A>G (p.Gln645Arg)

Gene: ERCC6L2 (ERCC excision repair 6 like 2; plus strand). Cytogenetic location: 9q22.32.
Variant type: single nucleotide variant.
Coding change: c.1934A>G on transcript NM_020207.7 (MANE Select); coding-DNA position 1934, A replaced by G.
Protein change: p.Gln645Arg; replaces glutamine 645 with arginine.
Molecular consequence: missense variant. On other transcripts: non-coding transcript variant (1).
Genome position (GRCh38, 1-based): chr9:95,956,000, A>G. VCF-style: chr9-95956000-A-G. GRCh37 (hg19) VCF-style: chr9-98718282-A-G.
Other names: c.1934A>G, p.Gln645Arg (NM_001010895.4, NM_001375291.1, NM_001375292.1 and 2 more transcripts); short protein forms Q645R.
Identifiers: ClinVar variation 3845873 (VCV003845873.1).
Genomic context (GRCh38, chr9:95,956,000, plus strand): 5'-ATGTCAAAGTGCTTAGGCTGATATCCTTGGGAACTGTGGAGGAAATCATGTATTTACGAC[A>G]GATATACAAGCAGGTAAATATGTTTCCCTTTTTCTGTTTCAGAGGTCAACATTTATCTGT-3'
Protein context (NP_064592.3, residues 635-655): GTVEEIMYLR[Gln645Arg]IYKQQLHCVV